The following is an entry in ClinVar:

NM_006206.6(PDGFRA):c.2222A>T (p.Gln741Leu)

Gene: PDGFRA (platelet derived growth factor receptor alpha; plus strand). Cytogenetic location: 4q12.
Variant type: single nucleotide variant.
Coding change: c.2222A>T on transcript NM_006206.6 (MANE Select); coding-DNA position 2222, A replaced by T.
Protein change: p.Gln741Leu; replaces glutamine 741 with leucine.
Molecular consequence: missense variant.
Genome position (GRCh38, 1-based): chr4:54,280,381, A>T. VCF-style: chr4-54280381-A-T. GRCh37 (hg19) VCF-style: chr4-55146548-A-T.
Other names: c.2222A>T, p.Gln741Leu (NM_001347827.2, NM_001347829.2); c.2297A>T, p.Gln766Leu (NM_001347828.2); c.2261A>T, p.Gln754Leu (NM_001347830.2); short protein forms Q741L, Q754L, Q766L.
Identifiers: ClinVar variation 3416412 (VCV003416412.1).

ClinVar aggregate classification (germline): Uncertain significance (1 of 4 stars; one submission).

Conditions:
Hereditary cancer-predisposing syndrome. Also called: Neoplastic Syndromes, Hereditary; Tumor predisposition; Hereditary Cancer Syndrome; Hereditary neoplastic syndrome. Identifiers: Orphanet 140162, MedGen C0027672, MeSH D009386, MONDO:0015356.

Submission:

Ambry Genetics
Classification: Uncertain significance for Hereditary cancer-predisposing syndrome. Last evaluated: 2024-08-22. Review status: criteria provided, single submitter. Criteria: Ambry Variant Classification Scheme 2023. Collection method: clinical testing. Allele origin: germline.
Comment: The p.Q741L variant (also known as c.2222A>T), located in coding exon 15 of the PDGFRA gene, results from an A to T substitution at nucleotide position 2222. The glutamine at codon 741 is replaced by leucine, an amino acid with dissimilar properties. This amino acid position is conserved. In addition, the in silico prediction for this alteration is inconclusive. Based on the available evidence, the clinical significance of this variant remains unclear.